The following is an entry in ClinVar:

NM_001374385.1(ATP8B1):c.2843G>A (p.Cys948Tyr)

Genes: ATP8B1 (ATPase phospholipid transporting 8B1; minus strand), ATP8B1-AS1 (ATP8B1 antisense RNA 1; plus strand). Cytogenetic location: 18q21.31.
Variant type: single nucleotide variant.
Coding change: c.2843G>A on transcript NM_001374385.1 (MANE Select); coding-DNA position 2843, G replaced by A.
Protein change: p.Cys948Tyr; replaces cysteine 948 with tyrosine.
Molecular consequence: missense variant.
Genome position (GRCh38, 1-based): chr18:57,655,282, C>T on the plus strand (G>A on the coding strand, the complement: ATP8B1 is on the minus strand). VCF-style: chr18-57655282-C-T. GRCh37 (hg19) VCF-style: chr18-55322514-C-T.
Other names: c.2693G>A, p.Cys898Tyr (NM_001374386.1); c.2843G>A, p.Cys948Tyr (NM_005603.6); short protein forms C948Y, C898Y.
Identifiers: ClinVar variation 4993875 (VCV004993875.1).

ClinVar aggregate classification (germline): Uncertain significance (1 of 4 stars; one submission).

Conditions:
ATP8B1-related disorder. Also called: ATP8B1-related disorders; ATP8B1-related condition.

Submission:

PreventionGenetics, part of Exact Sciences
Classification: Uncertain significance for ATP8B1-related condition. Last evaluated: 2025-11-14. Review status: criteria provided, single submitter. Criteria: ACMG Guidelines, 2015. Collection method: clinical testing. Allele origin: germline.
Comment: The ATP8B1 c.2843G>A variant is predicted to result in the amino acid substitution p.Cys948Tyr. To our knowledge, this variant has not been reported in the literature or in a large population database (gnomAD), indicating this variant is rare. At this time, the clinical significance of this variant is uncertain due to the absence of conclusive functional and genetic evidence.